The following is an entry in ClinVar:

NM_014989.7(RIMS1):c.1704T>G (p.Asp568Glu)

Gene: RIMS1 (regulating synaptic membrane exocytosis 1; plus strand). Cytogenetic location: 6q13.
Variant type: single nucleotide variant.
Coding change: c.1704T>G on transcript NM_014989.7 (MANE Select); coding-DNA position 1704, T replaced by G.
Protein change: p.Asp568Glu; replaces aspartic acid 568 with glutamic acid.
Molecular consequence: missense variant. On other transcripts: 5 prime UTR variant (9).
Genome position (GRCh38, 1-based): chr6:72,233,798, T>G. VCF-style: chr6-72233798-T-G. GRCh37 (hg19) VCF-style: chr6-72943501-T-G.
Other names: c.126T>G, p.Asp42Glu (NM_001168407.2, NM_001168408.2, NM_001350414.2 and 37 more transcripts); c.-118T>G (NM_001168409.2, NM_001350461.2, NM_001350463.2 and 6 more transcripts); c.81T>G, p.Asp27Glu (NM_001168410.2, NM_001350470.2, NM_001350472.2 and 2 more transcripts); c.57T>G, p.Asp19Glu (NM_001350421.2, NM_001350424.2, NM_001350428.2 and 6 more transcripts); short protein forms D19E, D27E, D42E, D568E.
Identifiers: ClinVar variation 1054145 (VCV001054145.9), dbSNP rs886061708, ClinGen allele CA364823378.
Genomic context (GRCh38, chr6:72,233,798, plus strand): 5'-ACCATTACACTTTTCATTCTTTTTGTATTGCACAGGTGATTTGGATTATTACTGGTTGGA[T>G]CCTGCCACGTGGCACAGCCGGGAGACATCACCTATTAGTTCGGTAAGTTTTCTGGAAAGT-3'
Protein context (NP_055804.2, residues 558-578): EKGDLDYYWL[Asp568Glu]PATWHSRETS

ClinVar aggregate classification (germline): Uncertain significance (1 of 4 stars; one submission).

gnomAD v4.1: 8 of 1,580,030 alleles (0.00051%); highest among the groups gnomAD compares: South Asian, 0.0012%; no homozygotes.

Submission:

Labcorp Genetics (formerly Invitae), Labcorp
Classification: Uncertain significance. Last evaluated: 2020-02-25. Review status: criteria provided, single submitter. Criteria: Invitae Variant Classification Sherloc (09022015). Collection method: clinical testing. Allele origin: germline.
Comment: In summary, the available evidence is currently insufficient to determine the role of this variant in disease. Therefore, it has been classified as a Variant of Uncertain Significance. Algorithms developed to predict the effect of missense changes on protein structure and function (SIFT, PolyPhen-2, Align-GVGD) all suggest that this variant is likely to be disruptive, but these predictions have not been confirmed by published functional studies and their clinical significance is uncertain. This variant has not been reported in the literature in individuals with RIMS1-related conditions. This variant is not present in population databases (ExAC no frequency). This sequence change replaces aspartic acid with glutamic acid at codon 568 of the RIMS1 protein (p.Asp568Glu). The aspartic acid residue is highly conserved and there is a small physicochemical difference between aspartic acid and glutamic acid.